The following is an entry in ClinVar:

NM_206933.4(USH2A):c.10851C>T (p.Asn3617=)

Gene: USH2A (usherin; minus strand). Cytogenetic location: 1q41.
Variant type: single nucleotide variant.
Coding change: c.10851C>T on transcript NM_206933.4 (MANE Select); coding-DNA position 10851, C replaced by T.
Protein change: p.Asn3617=; no amino-acid change (asparagine 3617 retained).
Molecular consequence: synonymous variant.
Genome position (GRCh38, 1-based): chr1:215,779,931, G>A on the plus strand (C>T on the coding strand, the complement: USH2A is on the minus strand). VCF-style: chr1-215779931-G-A. GRCh37 (hg19) VCF-style: chr1-215953273-G-A.
Other names: p.N3617N:AAC>AAT.
Identifiers: ClinVar variation 48360 (VCV000048360.21), dbSNP rs12073994, ClinGen allele CA143235.

ClinVar aggregate classification (germline): Benign/Likely benign. Review status: criteria provided, multiple submitters, no conflicts (2 of 4 stars). 9 submissions from 8 submitters: Benign (5); Likely benign (4). Last evaluated 2026-02-04.

Conditions:
Retinitis pigmentosa 39 (RP39). Identifiers: Orphanet 791, MedGen C3151138, MONDO:0013436, OMIM 613809.
Usher syndrome type 2A. Also called: RETINAL DISEASE IN USHER SYNDROME TYPE IIA, MODIFIER OF; USHER SYNDROME, TYPE IIA. Identifiers: Orphanet 231178, Orphanet 886, MedGen C1848634, MONDO:0010169, OMIM 276901.

Allele frequency attached by ClinVar (database versions not stated): gnomAD 0.00488; ESP Exome Variant Server 0.00669; 1000 Genomes Project 30x 0.00828; TOPMed 0.00532; 1000 Genomes Project 0.00779.
gnomAD v4.1: 1,652 of 1,614,028 alleles (0.1%); highest among the groups gnomAD compares: African/African-American, 1.6%; 12 homozygotes.

Submissions (9):

Labcorp Genetics (formerly Invitae), Labcorp
Classification: Benign. Last evaluated: 2026-02-04. Review status: criteria provided, single submitter. Criteria: Invitae Variant Classification Sherloc (09022015). Collection method: clinical testing. Allele origin: germline.

Blueprint Genetics
Classification: Likely benign. Last evaluated: 2024-11-25. Review status: criteria provided, single submitter. Criteria: ACMG Guidelines, 2015. Collection method: clinical testing. Allele origin: germline.

Genome-Nilou Lab
Classification: Likely benign for Retinitis pigmentosa 39. Last evaluated: 2023-11-04. Review status: criteria provided, single submitter. Criteria: ACMG Guidelines, 2015. Collection method: clinical testing. Allele origin: germline. Affected: no.

Genome-Nilou Lab
Classification: Likely benign for Usher syndrome type 2A. Last evaluated: 2023-11-04. Review status: criteria provided, single submitter. Criteria: ACMG Guidelines, 2015. Collection method: clinical testing. Allele origin: germline. Affected: no.

Fulgent Genetics
Classification: Likely benign for Usher syndrome type 2A; Retinitis pigmentosa 39. Last evaluated: 2021-10-19. Review status: criteria provided, single submitter. Criteria: ACMG Guidelines, 2015. Collection method: clinical testing. Allele origin: unknown.

GeneDx
Classification: Benign. Last evaluated: 2013-04-04. Review status: criteria provided, single submitter. Criteria: GeneDx Variant Classification (06012015). Collection method: clinical testing. Allele origin: germline. Affected: yes.
Comment: This variant is considered likely benign or benign based on one or more of the following criteria: it is a conservative change, it occurs at a poorly conserved position in the protein, it is predicted to be benign by multiple in silico algorithms, and/or has population frequency not consistent with disease.

Laboratory for Molecular Medicine, Mass General Brigham Personalized Medicine
Classification: Benign. Last evaluated: 2012-05-07. Review status: criteria provided, single submitter. Criteria: LMM Criteria. Collection method: clinical testing. Allele origin: germline. Observed: 11 variant alleles.
Comment: "Asn3617Asn in Exon 55 of USH2A: This variant is not expected to have clinical s ignificance because it does not alter an amino acid residue, is not located with in the splice consensus sequence, and has been identified in 1.7% (62/3738) of A frican American chromosomes from a broad population by the NHLBI Exome Sequencin g Project (dbSNP rs12073994)."

Breakthrough Genomics
Classification: Benign. Review status: criteria provided, single submitter. Criteria: ACMG Guidelines, 2015. Collection method: not provided. Allele origin: germline. Inheritance: Autosomal recessive inheritance. Affected: yes.

PreventionGenetics, part of Exact Sciences
Classification: Benign. Review status: criteria provided, single submitter. Criteria: ACMG Guidelines, 2015. Collection method: clinical testing. Allele origin: germline.